The following is an entry in ClinVar:

NM_000038.6(APC):c.181G>A (p.Ala61Thr)

Gene: APC (APC regulator of Wnt signaling pathway; plus strand). Cytogenetic location: 5q22.2.
Variant type: single nucleotide variant.
Coding change: c.181G>A on transcript NM_000038.6 (MANE Select); coding-DNA position 181, G replaced by A.
Protein change: p.Ala61Thr; replaces alanine 61 with threonine.
Molecular consequence: missense variant. On other transcripts: 5 prime UTR variant (1).
Genome position (GRCh38, 1-based): chr5:112,766,371, G>A. VCF-style: chr5-112766371-G-A. GRCh37 (hg19) VCF-style: chr5-112102068-G-A.
Other names: c.181G>A, p.Ala61Thr (NM_001127510.3, NM_001354895.2, NM_001354896.2 and 2 more transcripts); c.211G>A, p.Ala71Thr (NM_001127511.3, NM_001354897.2, NM_001354902.2); c.106G>A, p.Ala36Thr (NM_001354898.2, NM_001354904.2); c.4G>A, p.Ala2Thr (NM_001354900.2, NM_001354901.2, NM_001354905.2); c.-855G>A (NM_001354906.2); short protein forms A61T, A71T, A2T, A36T.
Identifiers: ClinVar variation 185188 (VCV000185188.24), dbSNP rs786201989, ClinGen allele CA006037.

ClinVar aggregate classification (germline): Conflicting classifications of pathogenicity. Review status: criteria provided, conflicting classifications (1 of 4 stars). 5 submissions from 5 submitters: Uncertain significance (3); Likely benign (2). Last evaluated 2025-12-08.

Conditions:
Hereditary cancer-predisposing syndrome. Also called: Hereditary neoplastic syndrome; Neoplastic Syndromes, Hereditary; Tumor predisposition; Hereditary Cancer Syndrome. Identifiers: Orphanet 140162, MedGen C0027672, MeSH D009386, MONDO:0015356.
Classic or attenuated familial adenomatous polyposis. Identifiers: MedGen CN372698, MONDO:0021057.
Familial adenomatous polyposis 1 (FAP1). Also called: FAMILIAL ADENOMATOUS POLYPOSIS 1, ATTENUATED; POLYPOSIS, ADENOMATOUS INTESTINAL. Identifiers: MedGen C2713442, MONDO:0021056, OMIM 175100. Disease mechanism: loss of function.

gnomAD v4.1: 5 of 1,612,326 alleles (0.00031%); highest among the groups gnomAD compares: South Asian, 0.0011%; no homozygotes.

Submissions (5):

Labcorp Genetics (formerly Invitae), Labcorp
Classification: Uncertain significance for Familial adenomatous polyposis 1. Last evaluated: 2025-12-08. Review status: criteria provided, single submitter. Criteria: Invitae Variant Classification Sherloc (09022015). Collection method: clinical testing. Allele origin: germline.
Comment: This sequence change replaces alanine, which is neutral and non-polar, with threonine, which is neutral and polar, at codon 61 of the APC protein (p.Ala61Thr). This variant is not present in population databases (gnomAD no frequency). This variant has not been reported in the literature in individuals affected with APC-related conditions. ClinVar contains an entry for this variant (Variation ID: 185188). Invitae Evidence Modeling of protein sequence and biophysical properties (such as structural, functional, and spatial information, amino acid conservation, physicochemical variation, residue mobility, and thermodynamic stability) indicates that this missense variant is not expected to disrupt APC protein function with a negative predictive value of 95%. In summary, the available evidence is currently insufficient to determine the role of this variant in disease. Therefore, it has been classified as a Variant of Uncertain Significance.

Color Diagnostics, LLC DBA Color Health
Classification: Uncertain significance for Hereditary cancer-predisposing syndrome. Last evaluated: 2024-03-06. Review status: criteria provided, single submitter. Criteria: ACMG Guidelines, 2015. Collection method: clinical testing. Allele origin: germline.
Comment: This missense variant replaces alanine with threonine at codon 61 of the APC protein. Computational prediction suggests that this variant may not impact protein structure and function (internally defined REVEL score threshold <= 0.5, PMID: 27666373). To our knowledge, functional studies have not been reported for this variant. This variant has not been reported in individuals affected with APC-related disorders in the literature. This variant has not been identified in the general population by the Genome Aggregation Database (gnomAD). The available evidence is insufficient to determine the role of this variant in disease conclusively. Therefore, this variant is classified as a Variant of Uncertain Significance.

All of Us Research Program, National Institutes of Health
Classification: Uncertain significance for Classic or attenuated familial adenomatous polyposis. Last evaluated: 2023-06-27. Review status: criteria provided, single submitter. Criteria: ACMG Guidelines, 2015. Collection method: clinical testing. Allele origin: germline. Inheritance: Autosomal dominant inheritance. Observed: 2 variant alleles, 2 heterozygotes.
Comment: This missense variant replaces alanine with threonine at codon 61 of the APC protein. Computational prediction suggests that this variant may not impact protein structure and function (internally defined REVEL score threshold <= 0.5, PMID: 27666373). Splice site prediction tools suggest that this variant may not impact RNA splicing. To our knowledge, functional studies have not been performed for this variant. This variant has not been reported in individuals affected with hereditary cancer in the literature. This variant has not been identified in the general population by the Genome Aggregation Database (gnomAD). The available evidence is insufficient to determine the role of this variant in disease conclusively. Therefore, this variant is classified as a Variant of Uncertain Significance.

This study involves interpretation of variants in research participants for the purpose of population health screening. Participant phenotype was not available at the time of variant classification. Additional details can be found in publication PMID: 35346344, PMCID: PMC8962531

GeneDx
Classification: Likely benign. Last evaluated: 2019-09-17. Review status: criteria provided, single submitter. Criteria: GeneDx Variant Classification Process June 2021. Collection method: clinical testing. Allele origin: germline. Affected: yes.
Comment: Not observed in large population cohorts (Lek 2016)

Ambry Genetics
Classification: Likely benign for Hereditary cancer-predisposing syndrome. Last evaluated: 2018-12-28. Review status: criteria provided, single submitter. Criteria: Ambry Variant Classification Scheme 2023. Collection method: clinical testing. Allele origin: germline.